The following is an entry in ClinVar:

NM_006060.6(IKZF1):c.161-8306A>G

Gene: IKZF1 (IKAROS family zinc finger 1; plus strand). Cytogenetic location: 7p12.2.
Variant type: single nucleotide variant.
Coding change: c.161-8306A>G on transcript NM_006060.6 (MANE Select); 8306 bases into the intron before coding-DNA position 161, A replaced by G.
Molecular consequence: intron variant. On other transcripts: missense variant (1).
Genome position (GRCh38, 1-based): chr7:50,368,227, A>G. VCF-style: chr7-50368227-A-G. GRCh37 (hg19) VCF-style: chr7-50435925-A-G.
Other names: c.382A>G, p.Lys128Glu (NM_001291845.2); c.220+162A>G (NM_001410879.1, NM_001291846.2, NM_001291847.2); c.161-14313A>G (NM_001291839.2, NM_001291838.2, NM_001220767.2 and 1 more transcripts); c.161-8306A>G (NM_001220765.3, NM_001291837.2, NM_001220768.2 and 1 more transcripts); c.161-19118A>G (NM_001291841.1, NM_001291842.1); c.161-23502A>G (NM_001291843.1, NM_001291844.1); c.161-31691A>G (NM_001291840.1); short protein forms K128E.
Identifiers: ClinVar variation 3344745 (VCV003344745.1).

ClinVar aggregate classification (germline): Uncertain significance (0 of 4 stars; one submission).

Conditions:
IKZF1-related disorder. Also called: IKZF1-related condition.

gnomAD v4.1: 9 of 703,118 alleles (0.0013%); highest among the groups gnomAD compares: Admixed American, 0.004%; no homozygotes.

Submission:

PreventionGenetics, part of Exact Sciences
Classification: Uncertain significance for IKZF1-related condition. Last evaluated: 2024-07-10. Review status: no assertion criteria provided. Collection method: clinical testing. Allele origin: germline.
Comment: The IKZF1 c.382A>G variant is predicted to result in the amino acid substitution p.Lys128Glu. To our knowledge, this variant has not been reported in the literature. This variant is reported in 0.0028% of alleles in individuals of European (Non-Finnish) descent in gnomAD. At this time, the clinical significance of this variant is uncertain due to the absence of conclusive functional and genetic evidence.